The following is an entry in ClinVar:

ClinVar aggregate classification (germline): Likely pathogenic (1 of 4 stars; one submission).

Conditions:
Familial melanoma. Also called: Hereditary melanoma; Hereditary cutaneous melanoma. Identifiers: Orphanet 618, MedGen C1512419, MONDO:0018961.

Allele frequency attached by ClinVar (database versions not stated): gnomAD exomes below 0.00001.
gnomAD v4.1: 1 of 1,603,956 alleles (0.000062%); highest among the groups gnomAD compares: Non-Finnish European, 0.000085%; no homozygotes.

Submission:

Labcorp Genetics (formerly Invitae), Labcorp
Classification: Likely pathogenic for Familial melanoma. Last evaluated: 2021-10-12. Review status: criteria provided, single submitter. Criteria: Invitae Variant Classification Sherloc (09022015). Collection method: clinical testing. Allele origin: germline.
Comment: This sequence change creates a premature translational stop signal (p.Arg19*) in the CDKN2A (p14ARF) gene. While this is not anticipated to result in nonsense mediated decay, it is expected to disrupt the last 114 amino acid(s) of the CDKN2A (p14ARF) protein. This variant is not present in population databases (ExAC no frequency). This variant has not been reported in the literature in individuals affected with CDKN2A (p14ARF)-related conditions. Algorithms developed to predict the effect of sequence changes on RNA splicing suggest that this variant may create or strengthen a splice site. This variant disrupts the nucleolar localization signal (NLS) of the CDKN2A (p14ARF) protein, which is required for its nucleolar targeting (PMID: 10871849). While functional studies have not been performed to directly test the effect of this variant on CDKN2A (p14ARF) protein function, this suggests that disruption of this region of the protein is causative of disease. In summary, the currently available evidence indicates that the variant is pathogenic, but additional data are needed to prove that conclusively. Therefore, this variant has been classified as Likely Pathogenic.

Literature cited by the submitters: PubMed 10871849.

NM_058195.4(CDKN2A):c.55C>T (p.Arg19Ter)

Gene: CDKN2A (cyclin dependent kinase inhibitor 2A; minus strand). Cytogenetic location: 9p21.3.
Variant type: single nucleotide variant.
Coding change: c.55C>T on transcript NM_058195.4 (MANE Plus Clinical); coding-DNA position 55, C replaced by T.
Protein change: p.Arg19Ter; replaces arginine 19 with a stop codon.
Molecular consequence: nonsense. On other transcripts: intron variant (1).
Genome position (GRCh38, 1-based): chr9:21,994,277, G>A on the plus strand (C>T on the coding strand, the complement: CDKN2A is on the minus strand). VCF-style: chr9-21994277-G-A. GRCh37 (hg19) VCF-style: chr9-21994276-G-A.
Other names: c.-4+544C>T (NM_001363763.2); short protein forms R19*.
Identifiers: ClinVar variation 1497087 (VCV001497087.2), dbSNP rs2131148812, ClinGen allele CA373087033.